The following is an entry in ClinVar:

NM_012144.4(DNAI1):c.397G>T (p.Glu133Ter)

Gene: DNAI1 (dynein axonemal intermediate chain 1; plus strand). Cytogenetic location: 9p13.3.
Variant type: single nucleotide variant.
Coding change: c.397G>T on transcript NM_012144.4 (MANE Select); coding-DNA position 397, G replaced by T.
Protein change: p.Glu133Ter; replaces glutamic acid 133 with a stop codon.
Molecular consequence: nonsense.
Genome position (GRCh38, 1-based): chr9:34,490,020, G>T. VCF-style: chr9-34490020-G-T. GRCh37 (hg19) VCF-style: chr9-34490018-G-T.
Other names: c.409G>T, p.Glu137Ter (NM_001281428.2); short protein forms E137*, E133*.
Identifiers: ClinVar variation 1983133 (VCV001983133.5), dbSNP rs2492033381, ClinGen allele CA373245574.
Genomic context (GRCh38, chr9:34,490,020, plus strand): 5'-AGATTGGGAGAGCAGGCTTAGACTTTGAACTCATTGGCAGTATCCTACCAAGGTTCTCAG[G>T]AGTCTGTCAAGGTGATTTCAGAAACAGGAAACCTCGAAGAAGACGAAGAGCCCAAGGAGT-3'

ClinVar aggregate classification (germline): Pathogenic/Likely pathogenic. Review status: criteria provided, multiple submitters, no conflicts (2 of 4 stars). 2 submissions from 2 submitters: Pathogenic (1); Likely pathogenic (1). Last evaluated 2024-02-14.

Conditions:
Kartagener syndrome (CILD1). Also called: CILIARY DYSKINESIA, PRIMARY, 1; CILIARY DYSKINESIA, PRIMARY, 1, WITH OR WITHOUT SITUS INVERSUS; IMMOTILE CILIA SYNDROME; POLYNESIAN BRONCHIECTASIS; Dextrocardia bronchiectasis and sinusitis; SIEWERT SYNDROME. Identifiers: Orphanet 244, MedGen C4551906, MONDO:0009484, OMIM 244400.
Primary ciliary dyskinesia. Also called: Ciliary dyskinesia. Identifiers: Orphanet 244, MedGen C0008780, MONDO:0016575, HP:0012265.

Allele frequency attached by ClinVar (database versions not stated): gnomAD exomes below 0.00001.
gnomAD v4.1: 1 of 1,614,102 alleles (0.000062%); highest among the groups gnomAD compares: Admixed American, 0.0017%; no homozygotes.

Submissions (2):

Fulgent Genetics
Classification: Likely pathogenic for Kartagener syndrome. Last evaluated: 2024-02-14. Review status: criteria provided, single submitter. Criteria: ACMG Guidelines, 2015. Collection method: clinical testing. Allele origin: germline.

Labcorp Genetics (formerly Invitae), Labcorp
Classification: Pathogenic for Primary ciliary dyskinesia. Last evaluated: 2022-03-25. Review status: criteria provided, single submitter. Criteria: Invitae Variant Classification Sherloc (09022015). Collection method: clinical testing. Allele origin: germline.
Comment: For these reasons, this variant has been classified as Pathogenic. Algorithms developed to predict the effect of sequence changes on RNA splicing suggest that this variant may disrupt the consensus splice site. This variant has not been reported in the literature in individuals affected with DNAI1-related conditions. This variant is not present in population databases (gnomAD no frequency). This sequence change creates a premature translational stop signal (p.Glu133*) in the DNAI1 gene. It is expected to result in an absent or disrupted protein product. Loss-of-function variants in DNAI1 are known to be pathogenic (PMID: 16858015, 29363216).

Literature cited by the submitters: PubMed 16858015 (cited by Labcorp Genetics (formerly Invitae), Labcorp); PubMed 29363216 (cited by Labcorp Genetics (formerly Invitae), Labcorp).